The following is an entry in ClinVar:

ClinVar aggregate classification (germline): Uncertain significance (1 of 4 stars; one submission).

Submission:

Labcorp Genetics (formerly Invitae), Labcorp
Classification: Uncertain significance. Last evaluated: 2023-12-16. Review status: criteria provided, single submitter. Criteria: Invitae Variant Classification Sherloc (09022015). Collection method: clinical testing. Allele origin: unknown.
Comment: This variant results in a copy number gain of the genomic region encompassing exon(s) 3-6 of the MRAS gene. This region includes the termination codon of the gene. This copy number gain extends beyond the assayed region for this gene and therefore may encompass additional genes. As the precise location of this event is unknown, it may be in tandem or it may be located elsewhere in the genome. This variant has not been reported in the literature in individuals affected with MRAS-related conditions. In summary, the available evidence is currently insufficient to determine the role of this variant in disease. Therefore, it has been classified as a Variant of Uncertain Significance.

NC_000003.11:g.(?_138116146)_(138121111_?)dup

Gene: MRAS (muscle RAS oncogene homolog; plus strand). Cytogenetic location: 3q22.3.
Variant type: Duplication.
Identifiers: ClinVar variation 3247008 (VCV003247008.1).